The following is an entry in ClinVar:

ClinVar aggregate classification (germline): Uncertain significance (1 of 4 stars; one submission).

Submission:

Dasa
Classification: Uncertain significance. Last evaluated: 2024-08-30. Review status: criteria provided, single submitter. Criteria: DASA Assertion Criteria. Collection method: clinical testing. Allele origin: germline.
Comment: NM_001372044.2(SHANK3):c.323G>T (p.Trp108Leu) is a missense variant that results in the substitution of tryptophan with leucine. This variant is rare in population databases. Computational prediction algorithms are consistent with a benign effect. The currently available literature and clinical evidence are not sufficient to establish a definitive association between this variant and the reported condition. Therefore, this variant is classified as a variant of uncertain significance.

NM_001372044.2(SHANK3):c.323G>T (p.Trp108Leu)

Gene: SHANK3 (SH3 and multiple ankyrin repeat domains 3; plus strand). Cytogenetic location: 22q13.33.
Variant type: single nucleotide variant.
Coding change: c.323G>T on transcript NM_001372044.2 (MANE Select); coding-DNA position 323, G replaced by T.
Protein change: p.Trp108Leu; replaces tryptophan 108 with leucine.
Molecular consequence: missense variant.
Genome position (GRCh38, 1-based): chr22:50,675,082, G>T. VCF-style: chr22-50675082-G-T. GRCh37 (hg19) VCF-style: chr22-51113510-G-T.
Other names: short protein forms W108L.
Identifiers: ClinVar variation 4883780 (VCV004883780.2).